The following is an entry in ClinVar:

NM_030632.3(ASXL3):c.2068T>C (p.Ser690Pro)

Gene: ASXL3 (ASXL transcriptional regulator 3; plus strand). Cytogenetic location: 18q12.1.
Variant type: single nucleotide variant.
Coding change: c.2068T>C on transcript NM_030632.3 (MANE Select); coding-DNA position 2068, T replaced by C.
Protein change: p.Ser690Pro; replaces serine 690 with proline.
Molecular consequence: missense variant.
Genome position (GRCh38, 1-based): chr18:33,739,472, T>C. VCF-style: chr18-33739472-T-C. GRCh37 (hg19) VCF-style: chr18-31319436-T-C.
Other names: short protein forms S690P.
Identifiers: ClinVar variation 2444694 (VCV002444694.1), dbSNP rs2067615631, ClinGen allele CA402177327.

ClinVar aggregate classification (germline): Uncertain significance (1 of 4 stars; one submission).

Submission:

GeneDx
Classification: Uncertain significance. Last evaluated: 2022-09-14. Review status: criteria provided, single submitter. Criteria: GeneDx Variant Classification Process June 2021. Collection method: clinical testing. Allele origin: germline. Affected: yes.
Comment: Not observed at significant frequency in large population cohorts (gnomAD); In silico analysis supports that this missense variant does not alter protein structure/function; Has not been previously published as pathogenic or benign to our knowledge